The following is an entry in ClinVar:

ClinVar aggregate classification (germline): Uncertain significance. Review status: criteria provided, multiple submitters, no conflicts (2 of 4 stars). 2 submissions from 2 submitters: Uncertain significance (2). Last evaluated 2025-10-02.

Conditions:
Cardiovascular phenotype. Identifiers: MedGen CN230736.
Dilated cardiomyopathy 1II (CMD1II). Identifiers: Orphanet 154, MedGen C3554649, MONDO:0014073, OMIM 615184.

Allele frequency attached by ClinVar (database versions not stated): gnomAD exomes 0.00001; TOPMed 0.00001; ExAC 0.00002.

Submissions (2):

Labcorp Genetics (formerly Invitae), Labcorp
Classification: Uncertain significance for Dilated cardiomyopathy 1II. Last evaluated: 2025-10-02. Review status: criteria provided, single submitter. Criteria: Invitae Variant Classification Sherloc (09022015). Collection method: clinical testing. Allele origin: germline.
Comment: This sequence change replaces aspartic acid, which is acidic and polar, with asparagine, which is neutral and polar, at codon 2 of the CRYAB protein (p.Asp2Asn). This variant is present in population databases (rs782200688, gnomAD 0.04%). This variant has not been reported in the literature in individuals affected with CRYAB-related conditions. ClinVar contains an entry for this variant (Variation ID: 2447638). An algorithm developed to predict the effect of missense changes on protein structure and function (PolyPhen-2) suggests that this variant is likely to be disruptive. In summary, the available evidence is currently insufficient to determine the role of this variant in disease. Therefore, it has been classified as a Variant of Uncertain Significance.

Ambry Genetics
Classification: Uncertain significance for Cardiovascular phenotype. Last evaluated: 2022-12-23. Review status: criteria provided, single submitter. Criteria: Ambry Variant Classification Scheme 2023. Collection method: clinical testing. Allele origin: germline.
Comment: The p.D2N variant (also known as c.4G>A), located in coding exon 1 of the CRYAB gene, results from a G to A substitution at nucleotide position 4. The aspartic acid at codon 2 is replaced by asparagine, an amino acid with highly similar properties. This amino acid position is conserved. In addition, the in silico prediction for this alteration is inconclusive. Since supporting evidence is limited at this time, the clinical significance of this alteration remains unclear.

NM_001289808.2(CRYAB):c.4G>A (p.Asp2Asn)

Gene: CRYAB (crystallin alpha B; minus strand). Cytogenetic location: 11q23.1.
Variant type: single nucleotide variant.
Coding change: c.4G>A on transcript NM_001289808.2 (MANE Select); coding-DNA position 4, G replaced by A.
Protein change: p.Asp2Asn; replaces aspartic acid 2 with asparagine.
Molecular consequence: missense variant.
Genome position (GRCh38, 1-based): chr11:111,911,721, C>T on the plus strand (G>A on the coding strand, the complement: CRYAB is on the minus strand). VCF-style: chr11-111911721-C-T. GRCh37 (hg19) VCF-style: chr11-111782445-C-T.
Other names: c.4G>A, p.Asp2Asn (NM_001289807.1, NM_001368245.1, NM_001885.3); short protein forms D2N.
Identifiers: ClinVar variation 2447638 (VCV002447638.4), dbSNP rs782200688, ClinGen allele CA6275591.